The following is an entry in ClinVar:

NM_001148.6(ANK2):c.8453A>G (p.His2818Arg)

Gene: ANK2 (ankyrin 2; plus strand). Cytogenetic location: 4q26.
Variant type: single nucleotide variant.
Coding change: c.8453A>G on transcript NM_001148.6 (MANE Select); coding-DNA position 8453, A replaced by G.
Protein change: p.His2818Arg; replaces histidine 2818 with arginine.
Molecular consequence: missense variant. On other transcripts: intron variant (68).
Genome position (GRCh38, 1-based): chr4:113,357,071, A>G. VCF-style: chr4-113357071-A-G. GRCh37 (hg19) VCF-style: chr4-114278227-A-G.
Other names: c.8219A>G, p.His2740Arg (NM_001386142.1); c.4853A>G, p.His1618Arg (NM_001386166.1); c.8594A>G, p.His2865Arg (NM_001386174.1); c.8570A>G, p.His2857Arg (NM_001386175.1); c.4412-3752A>G (NM_001386186.2, NM_001386148.2); c.4214-3752A>G (NM_001354269.3); c.4292-3752A>G (NM_001386187.2); c.4253-3752A>G (NM_001386147.1); and 35 more; short protein forms H1618R, H2740R, H2818R, H2857R, H2865R.
Identifiers: ClinVar variation 3360617 (VCV003360617.1).

ClinVar aggregate classification (germline): Uncertain significance (1 of 4 stars; one submission).

Submission:

GeneDx
Classification: Uncertain significance. Last evaluated: 2023-06-29. Review status: criteria provided, single submitter. Criteria: GeneDx Variant Classification Process June 2021. Collection method: clinical testing. Allele origin: germline. Affected: yes.
Comment: Has not been previously published as pathogenic or benign to our knowledge; Not observed at significant frequency in large population cohorts (gnomAD); In silico analysis supports that this missense variant does not alter protein structure/function